The following is an entry in ClinVar:

ClinVar aggregate classification (germline): Uncertain significance. Review status: criteria provided, multiple submitters, no conflicts (2 of 4 stars). 4 submissions from 4 submitters: Uncertain significance (4). Last evaluated 2024-03-06.

Conditions:
Lethal congenital glycogen storage disease of heart. Also called: GLYCOGEN STORAGE DISEASE OF HEART; PHOSPHORYLASE KINASE DEFICIENCY OF HEART. Identifiers: Orphanet 439854, MedGen C1849813, MONDO:0009867, OMIM 261740.
Hypertrophic cardiomyopathy. Also called: HYPERTROPHIC MYOCARDIOPATHY. Identifiers: Orphanet 217569, MedGen C0007194, MeSH D002312, MONDO:0005045, HP:0001639.
Cardiovascular phenotype. Identifiers: MedGen CN230736.
Cardiomyopathy (CMYO). Also called: Cardiomyopathies. Identifiers: Orphanet 167848, MedGen C0878544, MONDO:0004994, HP:0001638. Inheritance: Various modes of inheritance.

Allele frequency attached by ClinVar (database versions not stated): gnomAD exomes below 0.00001 and 0.00001; ExAC 0.00001; gnomAD 0.00001; TOPMed 0.00001; ESP Exome Variant Server 0.00008.
gnomAD v4.1: 9 of 1,613,640 alleles (0.00056%); highest among the groups gnomAD compares: Non-Finnish European, 0.00068%; no homozygotes.

Submissions (4):

Color Diagnostics, LLC DBA Color Health
Classification: Uncertain significance for Cardiomyopathy. Last evaluated: 2024-03-06. Review status: criteria provided, single submitter. Criteria: ACMG Guidelines, 2015. Collection method: clinical testing. Allele origin: germline.
Comment: This missense variant replaces alanine with threonine at codon 419 of the PRKAG2 protein. Computational prediction suggests that this variant may not impact protein structure and function (internally defined REVEL score threshold <= 0.5, PMID: 27666373). To our knowledge, functional studies have not been reported for this variant. This variant has not been reported in individuals affected with cardiovascular disorders in the literature. This variant has been identified in 2/251474 chromosomes in the general population by the Genome Aggregation Database (gnomAD). The available evidence is insufficient to determine the role of this variant in disease conclusively. Therefore, this variant is classified as a Variant of Uncertain Significance.

All of Us Research Program, National Institutes of Health
Classification: Uncertain significance for Hypertrophic cardiomyopathy. Last evaluated: 2023-12-01. Review status: criteria provided, single submitter. Criteria: ACMG Guidelines, 2015. Collection method: clinical testing. Allele origin: germline. Inheritance: Autosomal dominant inheritance. Observed: 3 variant alleles, 3 heterozygotes.
Comment: This missense variant replaces alanine with threonine at codon 419 of the PRKAG2 protein. Computational prediction suggests that this variant may not impact protein structure and function (internally defined REVEL score threshold <= 0.5, PMID: 27666373). To our knowledge, functional studies have not been reported for this variant. This variant has not been reported in individuals affected with cardiovascular disorders in the literature. This variant has been identified in 2/251474 chromosomes in the general population by the Genome Aggregation Database (gnomAD). The available evidence is insufficient to determine the role of this variant in disease conclusively. Therefore, this variant is classified as a Variant of Uncertain Significance.

This study involves interpretation of variants in research participants for the purpose of population health screening. Participant phenotype was not available at the time of variant classification. Additional details can be found in publication PMID: 35346344, PMCID: PMC8962531

Labcorp Genetics (formerly Invitae), Labcorp
Classification: Uncertain significance for Lethal congenital glycogen storage disease of heart. Last evaluated: 2023-03-14. Review status: criteria provided, single submitter. Criteria: Invitae Variant Classification Sherloc (09022015). Collection method: clinical testing. Allele origin: germline.
Comment: This sequence change replaces alanine, which is neutral and non-polar, with threonine, which is neutral and polar, at codon 419 of the PRKAG2 protein (p.Ala419Thr). This variant is present in population databases (rs373919593, gnomAD 0.0009%). This variant has not been reported in the literature in individuals affected with PRKAG2-related conditions. ClinVar contains an entry for this variant (Variation ID: 1057106). Advanced modeling of protein sequence and biophysical properties (such as structural, functional, and spatial information, amino acid conservation, physicochemical variation, residue mobility, and thermodynamic stability) performed at Invitae indicates that this missense variant is not expected to disrupt PRKAG2 protein function. In summary, the available evidence is currently insufficient to determine the role of this variant in disease. Therefore, it has been classified as a Variant of Uncertain Significance.

Ambry Genetics
Classification: Uncertain significance for Cardiovascular phenotype. Last evaluated: 2022-08-22. Review status: criteria provided, single submitter. Criteria: Ambry Variant Classification Scheme 2023. Collection method: clinical testing. Allele origin: germline.
Comment: The p.A419T variant (also known as c.1255G>A), located in coding exon 12 of the PRKAG2 gene, results from a G to A substitution at nucleotide position 1255. The alanine at codon 419 is replaced by threonine, an amino acid with similar properties. This amino acid position is conserved. In addition, the in silico prediction for this alteration is inconclusive. Since supporting evidence is limited at this time, the clinical significance of this alteration remains unclear.

NM_016203.4(PRKAG2):c.1255G>A (p.Ala419Thr)

Gene: PRKAG2 (protein kinase AMP-activated non-catalytic subunit gamma 2; minus strand). Cytogenetic location: 7q36.1.
Variant type: single nucleotide variant.
Coding change: c.1255G>A on transcript NM_016203.4 (MANE Select); coding-DNA position 1255, G replaced by A.
Protein change: p.Ala419Thr; replaces alanine 419 with threonine.
Molecular consequence: missense variant.
Genome position (GRCh38, 1-based): chr7:151,565,864, C>T on the plus strand (G>A on the coding strand, the complement: PRKAG2 is on the minus strand). VCF-style: chr7-151565864-C-T. GRCh37 (hg19) VCF-style: chr7-151262950-C-T.
Other names: c.1123G>A, p.Ala375Thr (NM_001040633.2); c.880G>A, p.Ala294Thr (NM_001304527.2); c.532G>A, p.Ala178Thr (NM_001304531.2, NM_024429.2); c.883G>A, p.Ala295Thr (NM_001363698.2); short protein forms A178T, A294T, A295T, A375T, A419T.
Identifiers: ClinVar variation 1057106 (VCV001057106.14), dbSNP rs373919593, ClinGen allele CA054630.